The following is an entry in ClinVar:

NM_025150.5(TARS2):c.-22G>A

Gene: TARS2 (threonyl-tRNA synthetase 2, mitochondrial; plus strand). Cytogenetic location: 1q21.2.
Variant type: single nucleotide variant.
Coding change: c.-22G>A on transcript NM_025150.5 (MANE Select); 22 bases upstream of the start codon, G replaced by A.
Molecular consequence: 5 prime UTR variant. On other transcripts: non-coding transcript variant (2).
Genome position (GRCh38, 1-based): chr1:150,487,429, G>A. VCF-style: chr1-150487429-G-A. GRCh37 (hg19) VCF-style: chr1-150459905-G-A.
Other names: c.-22G>A (NM_001271895.2, NM_001271896.2).
Identifiers: ClinVar variation 383907 (VCV000383907.6), dbSNP rs201336268, ClinGen allele CA1076549.

ClinVar aggregate classification (germline): Likely benign. Review status: criteria provided, multiple submitters, no conflicts (2 of 4 stars). 2 submissions from 2 submitters: Likely benign (2). Last evaluated 2026-06-01.

Allele frequency attached by ClinVar (database versions not stated): gnomAD exomes 0.00036 and 0.00082; ExAC 0.00095; 1000 Genomes Project 0.00300; gnomAD 0.00318 and 0.00340; ESP Exome Variant Server 0.00338; 1000 Genomes Project 30x 0.00359; TOPMed 0.00379.
gnomAD v4.1: 1,025 of 1,614,180 alleles (0.063%); highest among the groups gnomAD compares: African/African-American, 1.2%; 12 homozygotes.

Submissions (3):

CeGaT Center for Human Genetics Tuebingen
Classification: Likely benign. Last evaluated: 2026-06-01. Review status: criteria provided, single submitter. Criteria: CeGaT Center For Human Genetics Tuebingen Variant Classification Criteria Version 2. Collection method: clinical testing. Allele origin: germline. Affected: yes. Observed: 1 variant allele.
Comment: TARS2: BS1

GeneDx
Classification: Likely benign. Last evaluated: 2021-06-23. Review status: criteria provided, single submitter. Criteria: GeneDx Variant Classification Process June 2021. Collection method: clinical testing. Allele origin: germline. Affected: yes.

Seelig Lab, University of Washington
No classification provided (evidence only). Review status: no classification provided. Collection method: in vitro. Allele origin: not applicable. Functional consequence: effect on translation. Not counted in ClinVar's aggregate classification.
ClinVar note: "not provided" was previously submitted as the classification for the variant. However, the classification appeared to be based only on an observation of functional data so it was converted to no classification on 2025-07-30.